The following is an entry in ClinVar:

NM_000342.4(SLC4A1):c.*333C>A

Gene: SLC4A1 (solute carrier family 4 member 1 (Diego blood group); minus strand). Cytogenetic location: 17q21.31.
Variant type: single nucleotide variant.
Coding change: c.*333C>A on transcript NM_000342.4 (MANE Select); 333 bases downstream of the stop codon, C replaced by A.
Molecular consequence: 3 prime UTR variant.
Genome position (GRCh38, 1-based): chr17:44,250,125, G>T on the plus strand (C>A on the coding strand, the complement: SLC4A1 is on the minus strand). VCF-style: chr17-44250125-G-T. GRCh37 (hg19) VCF-style: chr17-42327493-G-T.
Identifiers: ClinVar variation 323498 (VCV000323498.8), dbSNP rs2072081, ClinGen allele CA10649387.

ClinVar aggregate classification (germline): Benign. Review status: criteria provided, multiple submitters, no conflicts (2 of 4 stars). 5 submissions from 3 submitters: Benign (5). Last evaluated 2021-05-15.

Conditions:
Hereditary spherocytosis type 4. Also called: SLC4A1-Related Spherocytosis. Identifiers: Orphanet 822, MedGen C2675212, MONDO:0012981, OMIM 612653.
Autosomal dominant distal renal tubular acidosis (DRTA1). Also called: RTA, CLASSIC TYPE; RTA, DISTAL TYPE, AUTOSOMAL DOMINANT; RTA, GRADIENT TYPE; Renal Tubular Acidosis, Type I; RENAL TUBULAR ACIDOSIS, DISTAL, 1. Identifiers: Orphanet 93608, MedGen CN280572, MONDO:0008368, OMIM 179800.
Hemolytic anemia. Identifiers: MedGen C0002878, MONDO:0003664, HP:0001878.

Allele frequency attached by ClinVar (database versions not stated): gnomAD 0.36187 and 0.36193; TOPMed 0.38007; 1000 Genomes Project 30x 0.44300; 1000 Genomes Project 0.44649.
gnomAD v4.1: 115,310 of 355,356 alleles (32%); highest among the groups gnomAD compares: East Asian, 69%; 21,889 homozygotes.

Submissions (5):

GeneDx
Classification: Benign. Last evaluated: 2021-05-15. Review status: criteria provided, single submitter. Criteria: GeneDx Variant Classification Process June 2021. Collection method: clinical testing. Allele origin: germline. Affected: yes.

Illumina Laboratory Services, Illumina
Classification: Benign for Hemolytic anemia. Last evaluated: 2018-01-13. Review status: criteria provided, single submitter. Criteria: ICSL Variant Classification Criteria 13 December 2019. Collection method: clinical testing. Allele origin: germline.
Comment: This variant was observed in the ICSL laboratory as part of a predisposition screen in an ostensibly healthy population. It had not been previously curated by ICSL or reported in the Human Gene Mutation Database (HGMD: prior to June 1st, 2018), and was therefore a candidate for classification through an automated scoring system. Utilizing variant allele frequency, disease prevalence and penetrance estimates, and inheritance mode, an automated score was calculated to assess if this variant is too frequent to cause the disease. Based on the score and internal cut-off values, a variant classified as benign is not then subjected to further curation. The score for this variant resulted in a classification of benign for this disease.

Illumina Laboratory Services, Illumina
Classification: Benign for Autosomal dominant distal renal tubular acidosis. Last evaluated: 2018-01-13. Review status: criteria provided, single submitter. Criteria: ICSL Variant Classification Criteria 13 December 2019. Collection method: clinical testing. Allele origin: germline.
Comment: the same text as in the submission from Illumina Laboratory Services, Illumina above.

Illumina Laboratory Services, Illumina
Classification: Benign for Hereditary spherocytosis type 4. Last evaluated: 2018-01-13. Review status: criteria provided, single submitter. Criteria: ICSL Variant Classification Criteria 13 December 2019. Collection method: clinical testing. Allele origin: germline.
Comment: the same text as in the submission from Illumina Laboratory Services, Illumina above.

Breakthrough Genomics
Classification: Benign. Review status: criteria provided, single submitter. Criteria: ACMG Guidelines, 2015. Collection method: not provided. Allele origin: germline. Inheritance: Autosomal recessive inheritance. Affected: yes.